The following is an entry in ClinVar:

NM_001032386.2(SUOX):c.542T>C (p.Val181Ala)

Gene: SUOX (sulfite oxidase; plus strand). Cytogenetic location: 12q13.2.
Variant type: single nucleotide variant.
Coding change: c.542T>C on transcript NM_001032386.2 (MANE Select); coding-DNA position 542, T replaced by C.
Protein change: p.Val181Ala; replaces valine 181 with alanine.
Molecular consequence: missense variant.
Genome position (GRCh38, 1-based): chr12:56,003,931, T>C. VCF-style: chr12-56003931-T-C. GRCh37 (hg19) VCF-style: chr12-56397715-T-C.
Other names: c.542T>C, p.Val181Ala (NM_000456.3, NM_001032387.2); short protein forms V181A.
Identifiers: ClinVar variation 1505905 (VCV001505905.4), dbSNP rs767182191, ClinGen allele CA6620998.

ClinVar aggregate classification (germline): Uncertain significance (1 of 4 stars; one submission).

Conditions:
Sulfite oxidase deficiency. Also called: Isolated sulfite oxidase deficiency. Identifiers: Orphanet 833, Orphanet 99731, MedGen C0268624, MONDO:0010089, OMIM 272300, HP:0003643.

Allele frequency attached by ClinVar (database versions not stated): gnomAD 0.00003; gnomAD exomes 0.00004 and 0.00007; ExAC 0.00008.
gnomAD v4.1: 59 of 1,614,126 alleles (0.0037%); highest among the groups gnomAD compares: South Asian, 0.065%; 1 homozygote.

Submission:

Labcorp Genetics (formerly Invitae), Labcorp
Classification: Uncertain significance for Sulfite oxidase deficiency. Last evaluated: 2021-07-30. Review status: criteria provided, single submitter. Criteria: Invitae Variant Classification Sherloc (09022015). Collection method: clinical testing. Allele origin: germline.
Comment: This sequence change replaces valine with alanine at codon 181 of the SUOX protein (p.Val181Ala). The valine residue is weakly conserved and there is a small physicochemical difference between valine and alanine. This variant is present in population databases (rs767182191, ExAC 0.06%). This variant has not been reported in the literature in individuals affected with SUOX-related conditions. Algorithms developed to predict the effect of missense changes on protein structure and function (SIFT, PolyPhen-2, Align-GVGD) all suggest that this variant is likely to be tolerated. In summary, the available evidence is currently insufficient to determine the role of this variant in disease. Therefore, it has been classified as a Variant of Uncertain Significance.